The following is an entry in ClinVar:

ClinVar aggregate classification (germline): Likely pathogenic (1 of 4 stars; one submission).

Conditions:
Landau-Kleffner syndrome (FESD). Also called: APHASIA, ACQUIRED, WITH EPILEPSY; EPILEPSY, FOCAL, WITH SPEECH DISORDER AND WITH OR WITHOUT MENTAL RETARDATION. Identifiers: Orphanet 1945, Orphanet 725, Orphanet 98818, MedGen C0282512, MONDO:0009509, OMIM 245570.

Submission:

Labcorp Genetics (formerly Invitae), Labcorp
Classification: Likely pathogenic for Landau-Kleffner syndrome. Last evaluated: 2023-06-07. Review status: criteria provided, single submitter. Criteria: Invitae Variant Classification Sherloc (09022015). Collection method: clinical testing. Allele origin: germline.
Comment: This variant has not been reported in the literature in individuals affected with GRIN2A-related conditions. This variant is not present in population databases (gnomAD no frequency). This sequence change replaces alanine, which is neutral and non-polar, with valine, which is neutral and non-polar, at codon 716 of the GRIN2A protein (p.Ala716Val). Advanced modeling of protein sequence and biophysical properties (such as structural, functional, and spatial information, amino acid conservation, physicochemical variation, residue mobility, and thermodynamic stability) performed at Invitae indicates that this missense variant is expected to disrupt GRIN2A protein function. In summary, the currently available evidence indicates that the variant is pathogenic, but additional data are needed to prove that conclusively. Therefore, this variant has been classified as Likely Pathogenic. This variant disrupts the p.Ala716 amino acid residue in GRIN2A. Other variant(s) that disrupt this residue have been determined to be pathogenic (PMID: 23933820, 27839871). This suggests that this residue is clinically significant, and that variants that disrupt this residue are likely to be disease-causing.

Literature cited by the submitters: PubMed 23933820; PubMed 27839871.

NM_001134407.3(GRIN2A):c.2147C>T (p.Ala716Val)

Gene: GRIN2A (glutamate ionotropic receptor NMDA type subunit 2A; minus strand). Cytogenetic location: 16p13.2.
Variant type: single nucleotide variant.
Coding change: c.2147C>T on transcript NM_001134407.3 (MANE Select); coding-DNA position 2147, C replaced by T.
Protein change: p.Ala716Val; replaces alanine 716 with valine.
Molecular consequence: missense variant.
Genome position (GRCh38, 1-based): chr16:9,822,285, G>A on the plus strand (C>T on the coding strand, the complement: GRIN2A is on the minus strand). VCF-style: chr16-9822285-G-A. GRCh37 (hg19) VCF-style: chr16-9916142-G-A.
Other names: c.2147C>T, p.Ala716Val (NM_000833.5, NM_001134408.2); short protein forms A716V.
Identifiers: ClinVar variation 2748805 (VCV002748805.3), dbSNP rs1057519552, ClinGen allele CA394797687.
Genomic context (GRCh38, chr16:9,822,285, plus strand): 5'-CTCGCAGACCTGTGGTGAAAAGGAAACTGCCATCCTTACCCCGTTTTCAGGCTGACCAAG[G>A]CGTCCTCTACTCCTTTCTGATTAAATTTGGTCATGTACTGATGCATGTAGGGATAGTTAT-3'
Protein context (NP_001127879.1, residues 706-726): TKFNQKGVED[Ala716Val]LVSLKTGKLD